The following is an entry in ClinVar:

ClinVar aggregate classification (germline): Uncertain significance. Review status: criteria provided, multiple submitters, no conflicts (2 of 4 stars). 2 submissions from 2 submitters: Uncertain significance (2). Last evaluated 2022-10-13.

Conditions:
Hermansky-Pudlak syndrome 5 (HPS5). Identifiers: Orphanet 231512, Orphanet 79430, MedGen C3888004, MONDO:0013557, OMIM 614074.

Allele frequency attached by ClinVar (database versions not stated): ExAC 0.00001; gnomAD 0.00001 and 0.00002; gnomAD exomes 0.00001 and 0.00002; TOPMed 0.00002; 1000 Genomes Project 0.00040; 1000 Genomes Project 30x 0.00047.

Submissions (2):

Labcorp Genetics (formerly Invitae), Labcorp
Classification: Uncertain significance. Last evaluated: 2022-10-13. Review status: criteria provided, single submitter. Criteria: Invitae Variant Classification Sherloc (09022015). Collection method: clinical testing. Allele origin: germline.
Comment: This sequence change replaces leucine, which is neutral and non-polar, with isoleucine, which is neutral and non-polar, at codon 613 of the HPS5 protein (p.Leu613Ile). This variant is present in population databases (rs190221223, gnomAD 0.03%). This variant has not been reported in the literature in individuals affected with HPS5-related conditions. ClinVar contains an entry for this variant (Variation ID: 303883). Algorithms developed to predict the effect of missense changes on protein structure and function are either unavailable or do not agree on the potential impact of this missense change (SIFT: "Tolerated"; PolyPhen-2: "Possibly Damaging"; Align-GVGD: "Class C0"). In summary, the available evidence is currently insufficient to determine the role of this variant in disease. Therefore, it has been classified as a Variant of Uncertain Significance.

Illumina Laboratory Services, Illumina
Classification: Uncertain significance for Hermansky-Pudlak syndrome 5. Last evaluated: 2018-01-12. Review status: criteria provided, single submitter. Criteria: ICSL Variant Classification Criteria 13 December 2019. Collection method: clinical testing. Allele origin: germline.

NM_181507.2(HPS5):c.1837C>A (p.Leu613Ile)

Gene: HPS5 (HPS5 biogenesis of lysosomal organelles complex 2 subunit 2; minus strand). Cytogenetic location: 11p15.1.
Variant type: single nucleotide variant.
Coding change: c.1837C>A on transcript NM_181507.2 (MANE Select); coding-DNA position 1837, C replaced by A.
Protein change: p.Leu613Ile; replaces leucine 613 with isoleucine.
Molecular consequence: missense variant.
Genome position (GRCh38, 1-based): chr11:18,292,924, G>T on the plus strand (C>A on the coding strand, the complement: HPS5 is on the minus strand). VCF-style: chr11-18292924-G-T. GRCh37 (hg19) VCF-style: chr11-18314471-G-T.
Other names: c.1495C>A, p.Leu499Ile (NM_007216.4, NM_181508.2); short protein forms L613I, L499I.
Identifiers: ClinVar variation 303883 (VCV000303883.6), dbSNP rs190221223, ClinGen allele CA5909986.